The following is an entry in ClinVar:

ClinVar aggregate classification (germline): Conflicting classifications of pathogenicity. Review status: criteria provided, conflicting classifications (1 of 4 stars). 3 submissions from 3 submitters: Uncertain significance (2); Benign (1). Last evaluated 2026-04-29.

Conditions:
Isolated focal cortical dysplasia type II (FCORD2). Also called: CORTICAL DYSPLASIA OF TAYLOR; Focal cortical dysplasia type II. Identifiers: Orphanet 268994, MedGen C1846385, MONDO:0011818, OMIM 607341, HP:0032051.
Hereditary cancer-predisposing syndrome. Also called: Tumor predisposition; Hereditary neoplastic syndrome; Neoplastic Syndromes, Hereditary; Hereditary Cancer Syndrome. Identifiers: Orphanet 140162, MedGen C0027672, MeSH D009386, MONDO:0015356.
Tuberous sclerosis 2 (TSC2). Identifiers: Orphanet 805, MedGen C1860707, MONDO:0013199, OMIM 613254.

gnomAD v4.1: 1 of 1,605,544 alleles (0.000062%); highest among the groups gnomAD compares: East Asian, 0.0022%; no homozygotes.

Submissions (3):

Ambry Genetics
Classification: Uncertain significance for Hereditary cancer-predisposing syndrome. Last evaluated: 2026-04-29. Review status: criteria provided, single submitter. Criteria: Ambry Variant Classification Scheme 2023. Collection method: clinical testing. Allele origin: germline.
Comment: The p.L1456V variant (also known as c.4366C>G), located in coding exon 33 of the TSC2 gene, results from a C to G substitution at nucleotide position 4366. The leucine at codon 1456 is replaced by valine, an amino acid with highly similar properties. This amino acid position is not well conserved in available vertebrate species. In addition, the in silico prediction for this alteration is inconclusive. Based on the available evidence, the clinical significance of this variant remains unclear.

Baylor Genetics
Classification: Uncertain significance for Isolated focal cortical dysplasia type II. Last evaluated: 2023-09-15. Review status: criteria provided, single submitter. Criteria: ACMG Guidelines, 2015. Collection method: clinical testing. Allele origin: unknown.

Labcorp Genetics (formerly Invitae), Labcorp
Classification: Benign for Tuberous sclerosis 2. Last evaluated: 2022-12-03. Review status: criteria provided, single submitter. Criteria: Invitae Variant Classification Sherloc (09022015). Collection method: clinical testing. Allele origin: germline.

NM_000548.5(TSC2):c.4366C>G (p.Leu1456Val)

Gene: TSC2 (TSC complex subunit 2; plus strand). Cytogenetic location: 16p13.3.
Variant type: single nucleotide variant.
Coding change: c.4366C>G on transcript NM_000548.5 (MANE Select); coding-DNA position 4366, C replaced by G.
Protein change: p.Leu1456Val; replaces leucine 1456 with valine.
Molecular consequence: missense variant. On other transcripts: non-coding transcript variant (5).
Genome position (GRCh38, 1-based): chr16:2,084,588, C>G. VCF-style: chr16-2084588-C-G. GRCh37 (hg19) VCF-style: chr16-2134589-C-G.
Other names: c.4165C>G, p.Leu1389Val (NM_001077183.3); c.4297C>G, p.Leu1433Val (NM_001114382.3); c.4057C>G, p.Leu1353Val (NM_001318827.2); c.4021C>G, p.Leu1341Val (NM_001318829.2); c.3634C>G, p.Leu1212Val (NM_001318831.2); c.4198C>G, p.Leu1400Val (NM_001318832.2); c.4168C>G, p.Leu1390Val (NM_001363528.2); c.4234C>G, p.Leu1412Val (NM_001370404.1); and 26 more; short protein forms L1189V, L1190V, L1212V, L1232V, L1233V, L1236V, L1256V, L1340V.
Identifiers: ClinVar variation 2679332 (VCV002679332.5), dbSNP rs1199848222, ClinGen allele CA394301736.